The following is an entry in ClinVar:

NM_016653.3(MAP3K20):c.1216A>C (p.Lys406Gln)

Genes: MAP3K20 (mitogen-activated protein kinase kinase kinase 20; plus strand), MAP3K20-AS1 (MAP3K20 antisense RNA 1; minus strand). Cytogenetic location: 2q31.1.
Variant type: single nucleotide variant.
Coding change: c.1216A>C on transcript NM_016653.3 (MANE Select); coding-DNA position 1216, A replaced by C.
Protein change: p.Lys406Gln; replaces lysine 406 with glutamine.
Molecular consequence: missense variant.
Genome position (GRCh38, 1-based): chr2:173,238,385, A>C. VCF-style: chr2-173238385-A-C. GRCh37 (hg19) VCF-style: chr2-174103113-A-C.
Other names: short protein forms K406Q.
Identifiers: ClinVar variation 1497958 (VCV001497958.6), dbSNP rs756773161, ClinGen allele CA1970769.

ClinVar aggregate classification (germline): Uncertain significance (1 of 4 stars; one submission).

Allele frequency attached by ClinVar (database versions not stated): gnomAD exomes below 0.00001; ExAC 0.00001.

Submission:

Labcorp Genetics (formerly Invitae), Labcorp
Classification: Uncertain significance. Last evaluated: 2023-05-22. Review status: criteria provided, single submitter. Criteria: Invitae Variant Classification Sherloc (09022015). Collection method: clinical testing. Allele origin: germline.
Comment: This sequence change replaces lysine, which is basic and polar, with glutamine, which is neutral and polar, at codon 406 of the MAP3K20 protein (p.Lys406Gln). This variant is present in population databases (rs756773161, gnomAD 0.006%). This variant has not been reported in the literature in individuals affected with MAP3K20-related conditions. ClinVar contains an entry for this variant (Variation ID: 1497958). Advanced modeling of protein sequence and biophysical properties (such as structural, functional, and spatial information, amino acid conservation, physicochemical variation, residue mobility, and thermodynamic stability) performed at Invitae indicates that this missense variant is not expected to disrupt MAP3K20 protein function. In summary, the available evidence is currently insufficient to determine the role of this variant in disease. Therefore, it has been classified as a Variant of Uncertain Significance.